The following is an entry in ClinVar:

NM_025132.4(WDR19):c.1173C>T (p.Asn391=)

Gene: WDR19 (WD repeat domain 19; plus strand). Cytogenetic location: 4p14.
Variant type: single nucleotide variant.
Coding change: c.1173C>T on transcript NM_025132.4 (MANE Select); coding-DNA position 1173, C replaced by T.
Protein change: p.Asn391=; no amino-acid change (asparagine 391 retained).
Molecular consequence: synonymous variant.
Genome position (GRCh38, 1-based): chr4:39,216,134, C>T. VCF-style: chr4-39216134-C-T. GRCh37 (hg19) VCF-style: chr4-39217754-C-T.
Other names: c.693C>T, p.Asn231= (NM_001317924.2).
Identifiers: ClinVar variation 348731 (VCV000348731.10), dbSNP rs777985189, ClinGen allele CA2891791.
Genomic context (GRCh38, chr4:39,216,134, plus strand): 5'-ATTACTATTTTCTTTATTATAGGAGCTACCAATCACAGTTTCTGTTGATGTGGAACCCAA[C>T]TTTGTGGCAGTAGGTCTTTATCATCTGGCTGTAGGAATGAATAATCGAGCTTGGTTTTAT-3'
Protein context (NP_079408.3, residues 381-401): PITVSVDVEP[Asn391=]FVAVGLYHLA

ClinVar aggregate classification (germline): Conflicting classifications of pathogenicity. Review status: criteria provided, conflicting classifications (1 of 4 stars). 4 submissions from 3 submitters: Uncertain significance (2); Likely benign (1). 1 of the submissions does not count toward it. Last evaluated 2023-08-02.

Conditions:
Asphyxiating thoracic dystrophy 5 (SRTD5). Also called: SHORT-RIB THORACIC DYSPLASIA 5 WITH OR WITHOUT POLYDACTYLY; SHORT-RIB THORACIC DYSPLASIA 5 WITHOUT POLYDACTYLY. Identifiers: Orphanet 474, MedGen C3280598, MONDO:0013717, OMIM 614376.
WDR19-related disorder. Also called: WDR19-related condition; WDR19-related disorders. Identifiers: MedGen CN380161.
Senior-Loken syndrome 8 (SLSN8). Identifiers: Orphanet 3156, MedGen C4225376, MONDO:0014579, OMIM 616307.
Cranioectodermal dysplasia 4 (CED4). Identifiers: Orphanet 1515, MedGen C3280616, MONDO:0013719, OMIM 614378.

Allele frequency attached by ClinVar (database versions not stated): TOPMed below 0.00001; gnomAD exomes 0.00005; ExAC 0.00019.
gnomAD v4.1: 29 of 1,594,374 alleles (0.0018%); highest among the groups gnomAD compares: Non-Finnish European, 0.0015%; 1 homozygote.

Submissions (4):

Labcorp Genetics (formerly Invitae), Labcorp
Classification: Likely benign for Senior-Loken syndrome 8; Asphyxiating thoracic dystrophy 5. Last evaluated: 2023-08-02. Review status: criteria provided, single submitter. Criteria: Invitae Variant Classification Sherloc (09022015). Collection method: clinical testing. Allele origin: germline.

Illumina Laboratory Services, Illumina
Classification: Uncertain significance for Asphyxiating thoracic dystrophy 5. Last evaluated: 2018-01-12. Review status: criteria provided, single submitter. Criteria: ICSL Variant Classification Criteria 13 December 2019. Collection method: clinical testing. Allele origin: germline.

Illumina Laboratory Services, Illumina
Classification: Uncertain significance for Cranioectodermal dysplasia 4. Last evaluated: 2018-01-12. Review status: criteria provided, single submitter. Criteria: ICSL Variant Classification Criteria 13 December 2019. Collection method: clinical testing. Allele origin: germline.

PreventionGenetics, part of Exact Sciences
Classification: Likely benign for WDR19-related condition. Last evaluated: 2024-01-16. Review status: no assertion criteria provided. Collection method: clinical testing. Allele origin: germline. Not counted in ClinVar's aggregate classification.
Comment: This variant is classified as likely benign based on ACMG/AMP sequence variant interpretation guidelines (Richards et al. 2015 PMID: 25741868, with internal and published modifications).